The following is an entry in ClinVar:

NM_002878.4(RAD51D):c.786T>C (p.Pro262=)

Genes: RAD51D (RAD51 paralog D; minus strand), RAD51L3-RFFL (RAD51L3-RFFL readthrough; minus strand). Cytogenetic location: 17q12.
Variant type: single nucleotide variant.
Coding change: c.786T>C on transcript NM_002878.4 (MANE Select); coding-DNA position 786, T replaced by C.
Protein change: p.Pro262=; no amino-acid change (proline 262 retained).
Molecular consequence: synonymous variant. On other transcripts: non-coding transcript variant (3).
Genome position (GRCh38, 1-based): chr17:35,101,318, A>G on the plus strand (T>C on the coding strand, the complement: RAD51D is on the minus strand). VCF-style: chr17-35101318-A-G. GRCh37 (hg19) VCF-style: chr17-33428337-A-G.
Other names: c.846T>C, p.Pro282= (NM_001142571.2); c.450T>C, p.Pro150= (NM_133629.3).
Identifiers: ClinVar variation 186708 (VCV000186708.18), dbSNP rs771631684, ClinGen allele CA195625.

ClinVar aggregate classification (germline): Benign/Likely benign. Review status: criteria provided, multiple submitters, no conflicts (2 of 4 stars). 5 submissions from 5 submitters: Benign (1); Likely benign (4). Last evaluated 2025-11-17.

Conditions:
Breast-ovarian cancer, familial, susceptibility to, 4. Identifiers: Orphanet 145, MedGen C3280345, MONDO:0013669, OMIM 614291.
Hereditary cancer-predisposing syndrome. Also called: Neoplastic Syndromes, Hereditary; Tumor predisposition; Hereditary Cancer Syndrome; Hereditary neoplastic syndrome. Identifiers: Orphanet 140162, MedGen C0027672, MeSH D009386, MONDO:0015356.

Allele frequency attached by ClinVar (database versions not stated): gnomAD exomes below 0.00001 and 0.00001; ExAC 0.00001; TOPMed 0.00001.

Submissions (5):

Labcorp Genetics (formerly Invitae), Labcorp
Classification: Likely benign for Breast-ovarian cancer, familial, susceptibility to, 4. Last evaluated: 2025-11-17. Review status: criteria provided, single submitter. Criteria: Invitae Variant Classification Sherloc (09022015). Collection method: clinical testing. Allele origin: germline.

Myriad Genetics, Inc.
Classification: Benign for Breast-ovarian cancer, familial, susceptibility to, 4. Last evaluated: 2025-02-24. Review status: criteria provided, single submitter. Criteria: Myriad Autosomal Dominant, Autosomal Recessive and X-Linked Classification Criteria (2023). Collection method: clinical testing. Allele origin: unknown.
Comment: This variant is considered benign. This variant is a silent/synonymous amino acid change and it is not expected to impact splicing.

Color Diagnostics, LLC DBA Color Health
Classification: Likely benign for Hereditary cancer-predisposing syndrome. Last evaluated: 2018-04-02. Review status: criteria provided, single submitter. Criteria: ACMG Guidelines, 2015. Collection method: clinical testing. Allele origin: germline.

GeneDx
Classification: Likely benign. Last evaluated: 2016-11-07. Review status: criteria provided, single submitter. Criteria: GeneDx Variant Classification (06012015). Collection method: clinical testing. Allele origin: germline. Affected: yes.
Comment: This variant is considered likely benign or benign based on one or more of the following criteria: it is a conservative change, it occurs at a poorly conserved position in the protein, it is predicted to be benign by multiple in silico algorithms, and/or has population frequency not consistent with disease.

Ambry Genetics
Classification: Likely benign for Hereditary cancer-predisposing syndrome. Last evaluated: 2014-11-07. Review status: criteria provided, single submitter. Criteria: Ambry Variant Classification Scheme 2023. Collection method: clinical testing. Allele origin: germline.